The following is an entry in ClinVar:

ClinVar aggregate classification (germline): Conflicting classifications of pathogenicity. Review status: criteria provided, conflicting classifications (1 of 4 stars). 5 submissions from 5 submitters: Uncertain significance (4); Likely benign (1). Last evaluated 2025-08-11.

Conditions:
Macrothrombocytopenia and granulocyte inclusions with or without nephritis or sensorineural hearing loss (MATINS). Also called: BLEEDING DISORDER, PLATELET-TYPE, 6; DOHLE LEUKOCYTE INCLUSIONS WITH GIANT PLATELETS; SEBASTIAN PLATELET SYNDROME; MACROTHROMBOCYTOPENIA WITH DISPERSED LEUKOCYTIC INCLUSIONS; MACROTHROMBOCYTOPENIA, NEPHRITIS, AND DEAFNESS; MACROTHROMBOCYTOPENIA, NEPHRITIS, DEAFNESS, AND LEUKOCYTE INCLUSIONS. Identifiers: Orphanet 182050, MedGen C5200934, MONDO:0015912, OMIM 155100.
Autosomal dominant nonsyndromic hearing loss 17. Also called: Autosomal dominant nonsyndromic deafness 17; Deafness, autosomal dominant 17. Identifiers: Orphanet 90635, MedGen C1863659, MONDO:0011350, OMIM 603622.

Allele frequency attached by ClinVar (database versions not stated): gnomAD 0.00001; ExAC 0.00002; gnomAD exomes 0.00002 and 0.00003; TOPMed 0.00002; ESP Exome Variant Server 0.00008.
gnomAD v4.1: 38 of 1,613,866 alleles (0.0024%); highest among the groups gnomAD compares: Admixed American, 0.0067%; no homozygotes.

Submissions (5):

Labcorp Genetics (formerly Invitae), Labcorp
Classification: Likely benign. Last evaluated: 2025-08-11. Review status: criteria provided, single submitter. Criteria: Invitae Variant Classification Sherloc (09022015). Collection method: clinical testing. Allele origin: germline.

Blueprint Genetics
Classification: Uncertain significance. Last evaluated: 2024-03-15. Review status: criteria provided, single submitter. Criteria: ACMG Guidelines, 2015. Collection method: clinical testing. Allele origin: germline.

St. Jude Molecular Pathology, St. Jude Children's Research Hospital
Classification: Uncertain significance for Macrothrombocytopenia and granulocyte inclusions with or without nephritis or sensorineural hearing loss. Last evaluated: 2023-09-22. Review status: criteria provided, single submitter. Criteria: St. Jude Assertion Criteria 2020. Collection method: clinical testing. Allele origin: germline.
Comment: The MYH9 c.3397C>G (p.Gln1133Glu) missense change has a maximum subpopulation frequency of 0.0058% in gnomAD v2.1.1. The in silico tool REVEL is inconclusive about a pathogenic or benign effect of this variant on protein function, and to our knowledge functional studies have not been performed. To our knowledge, this variant has not been reported in individuals with MYH9-related disease. In summary, the evidence currently available is insufficient to determine the clinical significance of this variant. It has therefore been classified as of uncertain significance.

Fulgent Genetics
Classification: Uncertain significance for Macrothrombocytopenia and granulocyte inclusions with or without nephritis or sensorineural hearing loss; Autosomal dominant nonsyndromic hearing loss 17. Last evaluated: 2022-03-16. Review status: criteria provided, single submitter. Criteria: ACMG Guidelines, 2015. Collection method: clinical testing. Allele origin: unknown.

Laboratory for Molecular Medicine, Mass General Brigham Personalized Medicine
Classification: Uncertain significance. Last evaluated: 2017-11-20. Review status: criteria provided, single submitter. Criteria: LMM Criteria. Collection method: clinical testing. Allele origin: germline. Observed: 1 variant allele.
Comment: The p.Gln1133Glu variant in MYH9 has not been previously reported in individuals with hearing loss. This variant has been identified in 2/33578 Latino chromosom es and 5/111576 European chromosomes by the Genome Aggregation Database (gnomAD; dbSNP rs368797590). Although this variant has been seen in the general population, its frequency is not high enough to rule o ut a pathogenic role. Computational prediction tools and conservation analysis s uggest that the p.Gln1133Glu variant may not impact the protein, though this inf ormation is not predictive enough to rule out pathogenicity. In summary, the cli nical significance of the p.Gln1133Glu variant is uncertain. ACMG/AMP Criteria a pplied: PM2; BP4.

NM_002473.6(MYH9):c.3397C>G (p.Gln1133Glu)

Gene: MYH9 (myosin heavy chain 9; minus strand). Cytogenetic location: 22q12.3.
Variant type: single nucleotide variant.
Coding change: c.3397C>G on transcript NM_002473.6 (MANE Select); coding-DNA position 3397, C replaced by G.
Protein change: p.Gln1133Glu; replaces glutamine 1133 with glutamic acid.
Molecular consequence: missense variant.
Genome position (GRCh38, 1-based): chr22:36,295,593, G>C on the plus strand (C>G on the coding strand, the complement: MYH9 is on the minus strand). VCF-style: chr22-36295593-G-C. GRCh37 (hg19) VCF-style: chr22-36691639-G-C.
Other names: c.3397C>G (NM_002473.5); short protein forms Q1133E.
Identifiers: ClinVar variation 506192 (VCV000506192.10), dbSNP rs368797590, ClinGen allele CA10209683.